The following is an entry in ClinVar:

ClinVar aggregate classification (germline): Uncertain significance. Review status: criteria provided, multiple submitters, no conflicts (2 of 4 stars). 2 submissions from 2 submitters: Uncertain significance (2). Last evaluated 2023-02-14.

Conditions:
Wolfram syndrome 1 (WFS1). Identifiers: Orphanet 3463, MedGen C4551693, MONDO:0009101, OMIM 222300.

Submissions (2):

Neuberg Centre For Genomic Medicine, NCGM
Classification: Uncertain significance for Wolfram syndrome 1. Last evaluated: 2023-02-14. Review status: criteria provided, single submitter. Criteria: ACMG Guidelines, 2015. Collection method: clinical testing. Allele origin: germline. Inheritance: Autosomal recessive inheritance. Affected: yes.
Comment: The inframe deletion c.2141_2164del (p.Asn714_Asn721del) variant in WFS1 gene has not been reported previously as a pathogenic variant nor as a benign variant, to our knowledge. The p.Asn714_Asn721del variant has allele frequency 0.0004% in gnomAD Exomes and is novel (not in any individuals) in 1000 Genomes. This p.Asn714_Asn721del causes deletion of amino acid Asparagine at position 714 to Asparagine at position 721. This variant has not been reported to the ClinVar database. For these reasons, this variant has been classified as Variant of Uncertain Significance (VUS).

Labcorp Genetics (formerly Invitae), Labcorp
Classification: Uncertain significance. Last evaluated: 2023-01-31. Review status: criteria provided, single submitter. Criteria: Invitae Variant Classification Sherloc (09022015). Collection method: clinical testing. Allele origin: germline.
Comment: This variant, c.2141_2164del, results in the deletion of 8 amino acid(s) of the WFS1 protein (p.Asn714_Asn721del), but otherwise preserves the integrity of the reading frame. This variant is present in population databases (rs771936108, gnomAD 0.003%). This variant has been observed in individual(s) with clinical features of autosomal recessive Wolfram syndrome (Invitae). Experimental studies and prediction algorithms are not available or were not evaluated, and the functional significance of this variant is currently unknown. In summary, the available evidence is currently insufficient to determine the role of this variant in disease. Therefore, it has been classified as a Variant of Uncertain Significance.

NM_006005.3(WFS1):c.2141_2164del (p.Asn714_Asn721del)

Gene: WFS1 (wolframin ER transmembrane glycoprotein; plus strand). Cytogenetic location: 4p16.1.
Variant type: Deletion.
Coding change: c.2141_2164del on transcript NM_006005.3 (MANE Select); coding-DNA positions 2141 to 2164, 24 bases deleted (ACAGCGCCGAGTCTGCCATCAACA).
Protein change: p.Asn714_Asn721del.
Genome position (GRCh38, 1-based): chr4:6,301,936-6,301,959, ACAGCGCCGAGTCTGCCATCAACA deleted; deleting any 24 consecutive bases within chr4:6,301,933-6,301,959 gives the same sequence; the c. name uses the placement nearest the transcript's 3' end. VCF-style (leftmost placement, unchanged base first): chr4-6301932-GACAACAGCGCCGAGTCTGCCATCA-G. GRCh37 (hg19) VCF-style: chr4-6303659-GACAACAGCGCCGAGTCTGCCATCA-G.
Other names: c.2141_2164del, p.Asn714_Asn721del (NM_001145853.1).
Identifiers: ClinVar variation 2671775 (VCV002671775.4), dbSNP rs771936108, ClinGen allele CA2839615.